The following is an entry in ClinVar:

NM_001429.4(EP300):c.170A>G (p.Asn57Ser)

Gene: EP300 (EP300 lysine acetyltransferase; plus strand). Cytogenetic location: 22q13.2.
Variant type: single nucleotide variant.
Coding change: c.170A>G on transcript NM_001429.4 (MANE Select); coding-DNA position 170, A replaced by G.
Protein change: p.Asn57Ser; replaces asparagine 57 with serine.
Molecular consequence: missense variant.
Genome position (GRCh38, 1-based): chr22:41,117,262, A>G. VCF-style: chr22-41117262-A-G. GRCh37 (hg19) VCF-style: chr22-41513266-A-G.
Other names: c.170A>G (NM_001429.3); c.170A>G, p.Asn57Ser (NM_001362843.2); short protein forms N57S.
Identifiers: ClinVar variation 1925934 (VCV001925934.6), dbSNP rs2518115485, ClinGen allele CA411679772.
Genomic context (GRCh38, chr22:41,117,262, plus strand): 5'-TTGACTTGGAGCACGACTTACCAGATGAATTAATCAACTCTACAGAATTGGGACTAACCA[A>G]TGGTGGTGATATTAATCAGCTTCAGACAAGTCTTGGCATGGTACAAGATGCAGCTTCTAA-3'
Protein context (NP_001420.2, residues 47-67): LINSTELGLT[Asn57Ser]GGDINQLQTS

ClinVar aggregate classification (germline): Uncertain significance. Review status: criteria provided, multiple submitters, no conflicts (2 of 4 stars). 2 submissions from 2 submitters: Uncertain significance (2). Last evaluated 2023-07-12.

Conditions:
Rubinstein-Taybi syndrome due to EP300 haploinsufficiency. Also called: EP300-Related Rubinstein-Taybi Syndrome; RUBINSTEIN-TAYBI SYNDROME 2. Identifiers: Orphanet 353284, Orphanet 783, MedGen C3150941, MONDO:0013364, OMIM 613684.
EP300-related disorder. Also called: EP300-related condition; EP300-related disorders.

Allele frequency attached by ClinVar (database versions not stated): gnomAD exomes 0.00001.
gnomAD v4.1: 9 of 1,614,202 alleles (0.00056%); highest among the groups gnomAD compares: East Asian, 0.0022%; no homozygotes.

Submissions (2):

PreventionGenetics, part of Exact Sciences
Classification: Uncertain significance for EP300-related condition. Last evaluated: 2023-07-12. Review status: criteria provided, single submitter. Criteria: ACMG Guidelines, 2015. Collection method: clinical testing. Allele origin: germline.
Comment: The EP300 c.170A>G variant is predicted to result in the amino acid substitution p.Asn57Ser. To our knowledge, this variant has not been reported in the literature or in a large population database, indicating this variant is rare. At this time, the clinical significance of this variant is uncertain due to the absence of conclusive functional and genetic evidence.

Labcorp Genetics (formerly Invitae), Labcorp
Classification: Uncertain significance for Rubinstein-Taybi syndrome due to EP300 haploinsufficiency. Last evaluated: 2022-11-01. Review status: criteria provided, single submitter. Criteria: Invitae Variant Classification Sherloc (09022015). Collection method: clinical testing. Allele origin: germline.
Comment: This variant has not been reported in the literature in individuals affected with EP300-related conditions. This sequence change replaces asparagine, which is neutral and polar, with serine, which is neutral and polar, at codon 57 of the EP300 protein (p.Asn57Ser). This variant is not present in population databases (gnomAD no frequency). Advanced modeling of protein sequence and biophysical properties (such as structural, functional, and spatial information, amino acid conservation, physicochemical variation, residue mobility, and thermodynamic stability) performed at Invitae indicates that this missense variant is not expected to disrupt EP300 protein function. In summary, the available evidence is currently insufficient to determine the role of this variant in disease. Therefore, it has been classified as a Variant of Uncertain Significance.